The following is an entry in ClinVar:

ClinVar aggregate classification (germline): Pathogenic/Likely pathogenic. Review status: criteria provided, multiple submitters, no conflicts (2 of 4 stars). 5 submissions from 5 submitters: Pathogenic (1); Likely pathogenic (4). Last evaluated 2025-11-26.

Conditions:
Adult hypophosphatasia. Identifiers: Orphanet 247676, Orphanet 436, MedGen C0268413, MONDO:1010154, OMIM 146300, MONDO:0007798.
Hypophosphatasia. Also called: Phosphoethanol-aminuria. Identifiers: Orphanet 436, MedGen C0020630, MeSH D007014, MONDO:0018570.

gnomAD v4.1: 1 of 1,614,064 alleles (0.000062%); no homozygotes.

Submissions (5):

Natera, Inc.
Classification: Likely pathogenic for Hypophosphatasia. Last evaluated: 2025-11-26. Review status: criteria provided, single submitter. Criteria: Natera Variant Classification Schema (03/2026). Collection method: clinical testing. Allele origin: germline.
Comment: The c.508A>G variant in ALPL is a missense variant predicted to cause substitution of asparagine to aspartic acid at amino acid 170. This variant is rare in the general population with a frequency below the threshold expected for the associated phenotype(s). This variant has been observed in one or more individuals affected with the associated recessive disease, as either homozygous or compound heterozygous with a second variant (PMID: 36361766). This variant has been observed in affected individual(s) with monoallelic occurrence (heterozygous/hemizygous) (PMID: 36361766, 33404770). Functional studies show that this variant may disrupt protein function (PMID: 11802776). Computational prediction algorithms indicate this variant is likely to affect gene or protein function. Given the available evidence, this variant is classified as Likely Pathogenic.

Genomenon, Inc
Classification: Pathogenic for Hypophosphatasia. Last evaluated: 2025-08-29. Review status: criteria provided, single submitter. Criteria: Genomenon Sequence Variant Interpretation Standards. Collection method: curation. Allele origin: germline. Affected: yes.
Comment: ALPL c.508A>G is a missense variant that changes the amino acid at residue 170 from Asparagine to Aspartic acid. This variant has been observed in at least one proband affected with hypophosphatasia (PMID:36361766;33404770;9781036;32973344). At least one functional study has demonstrated a substantial alteration in protein function relative to the wild-type (PMID:11802776). The variant has also been described as Asn153Asp in the literature. It is absent or not present at a significant frequency in gnomAD. In silico models agree that this variant is possibly or probably damaging. In conclusion, we classify ALPL p.Asn170Asp (c.508A>G) as a pathogenic variant.

Myriad Genetics, Inc.
Classification: Likely pathogenic for Hypophosphatasia. Last evaluated: 2025-05-23. Review status: criteria provided, single submitter. Criteria: Myriad Autosomal Dominant, Autosomal Recessive and X-Linked Classification Criteria (2023). Collection method: clinical testing. Allele origin: unknown.
Comment: NM_000478.4(ALPL):c.508A>G(N170D) is a missense variant classified as likely pathogenic in the context of hypophosphatasia. N170D has been observed in cases with relevant disease (PMID: 9781036, 36361766, 33404770). Relevant functional assessments of this variant are available in the literature (PMID: 11802776). N170D has not been observed in referenced population frequency databases. In summary, NM_000478.4(ALPL):c.508A>G(N170D) is a missense variant that has functional support for pathogenicity and has been observed more frequently in cases with the relevant disease than in healthy populations. Please note: this variant was assessed in the context of healthy population screening.

Baylor Genetics
Classification: Likely pathogenic for Adult hypophosphatasia. Last evaluated: 2023-12-27. Review status: criteria provided, single submitter. Criteria: ACMG Guidelines, 2015. Collection method: clinical testing. Allele origin: unknown.

Labcorp Genetics (formerly Invitae), Labcorp
Classification: Likely pathogenic. Last evaluated: 2021-07-21. Review status: criteria provided, single submitter. Criteria: Invitae Variant Classification Sherloc (09022015). Collection method: clinical testing. Allele origin: germline.
Comment: In summary, the currently available evidence indicates that the variant is pathogenic, but additional data are needed to prove that conclusively. Therefore, this variant has been classified as Likely Pathogenic. Experimental studies have shown that this variant affects ALPL protein function (PMID: 11802776). Advanced modeling of protein sequence and biophysical properties (such as structural, functional, and spatial information, amino acid conservation, physicochemical variation, residue mobility, and thermodynamic stability) performed at Invitae indicates that this missense variant is expected to disrupt ALPL protein function. ClinVar contains an entry for this variant (Variation ID: 1067343). This variant is also known as N153D. This variant has been observed in individual(s) with hypophosphatasia (PMID: 9781036). This variant is not present in population databases (ExAC no frequency). This sequence change replaces asparagine with aspartic acid at codon 170 of the ALPL protein (p.Asn170Asp). The asparagine residue is moderately conserved and there is a small physicochemical difference between asparagine and aspartic acid.

Literature cited by the submitters: PubMed 36361766 (cited by 3 submitters); PubMed 33404770 (cited by 3 submitters); PubMed 11802776 (cited by 4 submitters); PubMed 9781036 (cited by 3 submitters); PubMed 32973344 (cited by Genomenon, Inc).

NM_000478.6(ALPL):c.508A>G (p.Asn170Asp)

Gene: ALPL (alkaline phosphatase, biomineralization associated; plus strand). Cytogenetic location: 1p36.12.
Variant type: single nucleotide variant.
Coding change: c.508A>G on transcript NM_000478.6 (MANE Select); coding-DNA position 508, A replaced by G.
Protein change: p.Asn170Asp; replaces asparagine 170 with aspartic acid.
Molecular consequence: missense variant.
Genome position (GRCh38, 1-based): chr1:21,564,076, A>G. VCF-style: chr1-21564076-A-G. GRCh37 (hg19) VCF-style: chr1-21890569-A-G.
Other names: c.343A>G, p.Asn115Asp (NM_001127501.4); c.277A>G, p.Asn93Asp (NM_001177520.3); c.508A>G, p.Asn170Asp (NM_001369803.2, NM_001369804.2, NM_001369805.2); c.508A>G (NM_000478.5); short protein forms N115D, N170D, N93D.
Identifiers: ClinVar variation 1067343 (VCV001067343.15), dbSNP rs2148161378, ClinGen allele CA338877804.